The following is an entry in ClinVar:

NM_138420.4(AHNAK2):c.4134T>A (p.Ile1378=)

Gene: AHNAK2 (AHNAK nucleoprotein 2; minus strand). Cytogenetic location: 14q32.33.
Variant type: single nucleotide variant.
Coding change: c.4134T>A on transcript NM_138420.4 (MANE Select); coding-DNA position 4134, T replaced by A.
Protein change: p.Ile1378=; no amino-acid change (isoleucine 1378 retained).
Molecular consequence: synonymous variant.
Genome position (GRCh38, 1-based): chr14:104,951,317, A>T on the plus strand (T>A on the coding strand, the complement: AHNAK2 is on the minus strand). VCF-style: chr14-104951317-A-T. GRCh37 (hg19) VCF-style: chr14-105417654-A-T.
Other names: c.3834T>A, p.Ile1278= (NM_001350929.2).
Identifiers: ClinVar variation 4821150 (VCV004821150.4).

ClinVar aggregate classification (germline): Likely benign (1 of 4 stars; one submission).

Submission:

CeGaT Center for Human Genetics Tuebingen
Classification: Likely benign. Last evaluated: 2026-01-01. Review status: criteria provided, single submitter. Criteria: CeGaT Center For Human Genetics Tuebingen Variant Classification Criteria Version 2. Collection method: clinical testing. Allele origin: germline. Affected: yes. Observed: 1 variant allele.
Comment: AHNAK2: BP4, BP7